The following is an entry in ClinVar:

NM_145868.2(ANXA11):c.403C>T (p.Pro135Ser)

Gene: ANXA11 (annexin A11; minus strand). Cytogenetic location: 10q22.3.
Variant type: single nucleotide variant.
Coding change: c.403C>T on transcript NM_145868.2 (MANE Select); coding-DNA position 403, C replaced by T.
Protein change: p.Pro135Ser; replaces proline 135 with serine.
Molecular consequence: missense variant.
Genome position (GRCh38, 1-based): chr10:80,169,127, G>A on the plus strand (C>T on the coding strand, the complement: ANXA11 is on the minus strand). VCF-style: chr10-80169127-G-A. GRCh37 (hg19) VCF-style: chr10-81928883-G-A.
Other names: c.403C>T, p.Pro135Ser (NM_001157.3, NM_001278407.2, NM_001278408.2 and 1 more transcripts); c.304C>T, p.Pro102Ser (NM_001278409.2); short protein forms P135S, P102S.
Identifiers: ClinVar variation 2299239 (VCV002299239.6), dbSNP rs747262502, ClinGen allele CA5576290.

ClinVar aggregate classification (germline): Uncertain significance. Review status: criteria provided, multiple submitters, no conflicts (2 of 4 stars). 2 submissions from 2 submitters: Uncertain significance (2). Last evaluated 2025-10-02.

Conditions:
Inborn genetic diseases. Identifiers: MedGen C0950123, MeSH D030342.

Allele frequency attached by ClinVar (database versions not stated): gnomAD exomes below 0.00001; ExAC 0.00001; gnomAD 0.00001; TOPMed 0.00001.
gnomAD v4.1: 8 of 1,545,200 alleles (0.00052%); highest among the groups gnomAD compares: Non-Finnish European, 0.00069%; no homozygotes.

Submissions (2):

Ambry Genetics
Classification: Uncertain significance for Inborn genetic diseases. Last evaluated: 2025-10-02. Review status: criteria provided, single submitter. Criteria: Ambry Variant Classification Scheme 2023. Collection method: clinical testing. Allele origin: germline.

Labcorp Genetics (formerly Invitae), Labcorp
Classification: Uncertain significance. Last evaluated: 2023-05-16. Review status: criteria provided, single submitter. Criteria: Invitae Variant Classification Sherloc (09022015). Collection method: clinical testing. Allele origin: germline.
Comment: In summary, the available evidence is currently insufficient to determine the role of this variant in disease. Therefore, it has been classified as a Variant of Uncertain Significance. Experimental studies and prediction algorithms are not available or were not evaluated, and the functional significance of this variant is currently unknown. ClinVar contains an entry for this variant (Variation ID: 2299239). This variant has not been reported in the literature in individuals affected with ANXA11-related conditions. This variant is present in population databases (rs747262502, gnomAD 0.003%). This sequence change replaces proline, which is neutral and non-polar, with serine, which is neutral and polar, at codon 135 of the ANXA11 protein (p.Pro135Ser).